The following is an entry in ClinVar:

NM_138694.4(PKHD1):c.2269A>C (p.Ile757Leu)

Gene: PKHD1 (PKHD1 ciliary IPT domain containing fibrocystin/polyductin; minus strand). Cytogenetic location: 6p12.2.
Variant type: single nucleotide variant.
Coding change: c.2269A>C on transcript NM_138694.4 (MANE Select); coding-DNA position 2269, A replaced by C.
Protein change: p.Ile757Leu; replaces isoleucine 757 with leucine.
Molecular consequence: missense variant.
Genome position (GRCh38, 1-based): chr6:52,050,167, T>G on the plus strand (A>C on the coding strand, the complement: PKHD1 is on the minus strand). VCF-style: chr6-52050167-T-G. GRCh37 (hg19) VCF-style: chr6-51914965-T-G.
Other names: NM_138694.3(PKHD1):c.2269A>C(p.Ile757Leu); NM_170724.2(PKHD1):c.2269A>C(p.Ile757Leu); c.2269A>C, p.Ile757Leu (NM_170724.3); c.2269A>C (NM_170724.2); short protein forms I757L.
Identifiers: ClinVar variation 290977 (VCV000290977.46), dbSNP rs777183511, ClinGen allele CA3853291.

ClinVar aggregate classification (germline): Conflicting classifications of pathogenicity. Review status: criteria provided, conflicting classifications (1 of 4 stars). 10 submissions from 10 submitters: Pathogenic (1); Likely pathogenic (3); Uncertain significance (4). 2 of the submissions do not count toward it. Last evaluated 2025-08-11.

Conditions:
Autosomal recessive polycystic kidney disease (ARPKD). Also called: AR polycystic kidney disease. Identifiers: Orphanet 731, Orphanet 8378, MedGen C0085548, MeSH D017044, MONDO:0009889.
PKHD1-related disorder. Also called: PKHD1-related condition.
Autosomal dominant polycystic liver disease. Also called: Polycystic liver disease; Congenital cystic disease of liver. Identifiers: Orphanet 2924, MedGen C0158683, MONDO:0000447, HP:0006557.
Polycystic kidney disease 4 (PKD4). Also called: POLYCYSTIC KIDNEY DISEASE 4 WITH OR WITHOUT POLYCYSTIC LIVER DISEASE; POLYCYSTIC KIDNEY AND HEPATIC DISEASE 1; POLYCYSTIC KIDNEY DISEASE, INFANTILE, TYPE I; Autosomal Recessive Polycystic Kidney Disease – PKHD1; PKD3. Identifiers: MedGen C4540575, MONDO:0033004, OMIM 263200.

Allele frequency attached by ClinVar (database versions not stated): TOPMed 0.00002.
gnomAD v4.1: 7 of 1,614,036 alleles (0.00043%); highest among the groups gnomAD compares: Admixed American, 0.0067%; no homozygotes.

Submissions (10):

Labcorp Genetics (formerly Invitae), Labcorp
Classification: Pathogenic for Autosomal recessive polycystic kidney disease. Last evaluated: 2025-08-11. Review status: criteria provided, single submitter. Criteria: Invitae Variant Classification Sherloc (09022015). Collection method: clinical testing. Allele origin: germline.
Comment: This sequence change replaces isoleucine, which is neutral and non-polar, with leucine, which is neutral and non-polar, at codon 757 of the PKHD1 protein (p.Ile757Leu). This variant is present in population databases (rs777183511, gnomAD 0.006%). This missense change has been observed in individual(s) with autosomal recessive polycystic kidney disease (PMID: 12846734, 15805161, 33940108; internal data). In at least one individual the data is consistent with being in trans (on the opposite chromosome) from a pathogenic variant. ClinVar contains an entry for this variant (Variation ID: 290977). Invitae Evidence Modeling of protein sequence and biophysical properties (such as structural, functional, and spatial information, amino acid conservation, physicochemical variation, residue mobility, and thermodynamic stability) indicates that this missense variant is not expected to disrupt PKHD1 protein function with a negative predictive value of 95%. For these reasons, this variant has been classified as Pathogenic.

Women's Health and Genetics/Laboratory Corporation of America, LabCorp
Classification: Likely pathogenic for Autosomal recessive polycystic kidney disease. Last evaluated: 2025-06-13. Review status: criteria provided, single submitter. Criteria: LabCorp Variant Classification Summary - May 2015. Collection method: clinical testing. Allele origin: germline.
Comment: Variant summary: PKHD1 c.2269A>C (p.Ile757Leu) results in a conservative amino acid change in the encoded protein sequence. Algorithms developed to predict the effect of missense changes on protein structure and function all suggest that this variant is likely to be tolerated. The variant allele was found at a frequency of 1.2e-05 in 251132 control chromosomes. c.2269A>C has been reported in the literature in at least three compound heterozygous individuals (including two fetal cases) who were affected with Polycystic Kidney with- or without hepatic involvement (Rossetti_2003, Sharp_2005, Burgmaier_2021, internal data). These data indicate that the variant is likely to be associated with disease. To our knowledge, no experimental evidence demonstrating an impact on protein function has been reported. The following publications have been ascertained in the context of this evaluation (PMID: 33940108, 12846734, 15805161).ClinVar contains an entry for this variant (Variation ID: 290977). Based on the evidence outlined above, the variant was classified as likely pathogenic.

Fulgent Genetics
Classification: Likely pathogenic for Polycystic kidney disease 4. Last evaluated: 2024-06-03. Review status: criteria provided, single submitter. Criteria: ACMG Guidelines, 2015. Collection method: clinical testing. Allele origin: germline.

Blueprint Genetics
Classification: Uncertain significance. Last evaluated: 2023-08-30. Review status: criteria provided, single submitter. Criteria: ACMG Guidelines, 2015. Collection method: clinical testing. Allele origin: germline.

GeneDx
Classification: Uncertain significance. Last evaluated: 2022-04-04. Review status: criteria provided, single submitter. Criteria: GeneDx Variant Classification Process June 2021. Collection method: clinical testing. Allele origin: germline. Affected: yes.
Comment: Not observed at a significant frequency in large population cohorts (gnomAD); In silico analysis supports that this missense variant does not alter protein structure/function; This variant is associated with the following publications: (PMID: 12846734, 15805161)

SIB Swiss Institute of Bioinformatics
Classification: Uncertain significance for Polycystic kidney disease 4. Last evaluated: 2018-05-31. Review status: criteria provided, single submitter. Criteria: ACMG Guidelines, 2015. Collection method: curation. Allele origin: unknown.
Comment: This variant is interpreted as a Uncertain Significance - Conflicting Evidence, for Polycystic kidney disease 4 with or without polycystic liver disease, in Autosomal Recessive manner. The following ACMG Tag(s) were applied: BP4 => Multiple lines of computational evidence suggest no impact on gene or gene product (conservation, evolutionary, splicing impact, etc.). PM2 => Absent from controls (or at extremely low frequency if recessive) in Exome Sequencing Project, 1000 Genomes Project, or Exome Aggregation Consortium.

Eurofins Ntd Llc (ga)
Classification: Uncertain significance. Last evaluated: 2016-08-25. Review status: criteria provided, single submitter. Criteria: EGL Classification Definitions 2015. Collection method: clinical testing. Allele origin: germline. Observed: 1 variant allele, 1 heterozygote.

Baylor Genetics
Classification: Likely pathogenic for Polycystic kidney disease 4. Review status: criteria provided, single submitter. Criteria: ACMG Guidelines, 2015. Collection method: clinical testing. Allele origin: germline.

PreventionGenetics, part of Exact Sciences
Classification: Likely pathogenic for PKHD1-related condition. Last evaluated: 2024-07-26. Review status: no assertion criteria provided. Collection method: clinical testing. Allele origin: germline. Not counted in ClinVar's aggregate classification.
Comment: The PKHD1 c.2269A>C variant is predicted to result in the amino acid substitution p.Ile757Leu. This variant has been reported in the compound heterozygous state or in the presence of another pathogenic PKHD1 variant in individuals including two fetuses with polycystic kidney disease (Rossetti et al. 2003. PubMed ID: 12846734; Sharp et al. 2005. PubMed ID: 15805161; Supplementary Table S3, Burgmaier et al. 2021. PubMed ID: 33940108). This variant is reported in 0.0058% of alleles in individuals of Latino descent in gnomAD. This variant is interpreted as likely pathogenic.

Laboratory of Gastroenterology and Hepatology, Radboud University Medical Center
Classification: Uncertain significance for Autosomal dominant polycystic liver disease. Last evaluated: 2021-09-01. Review status: no assertion criteria provided. Collection method: research. Allele origin: germline. Affected: yes. Not counted in ClinVar's aggregate classification.

Literature cited by the submitters: PubMed 12846734 (cited by Labcorp Genetics (formerly Invitae), Labcorp and Women's Health and Genetics/Laboratory Corporation of America, LabCorp); PubMed 15805161 (cited by Labcorp Genetics (formerly Invitae), Labcorp and Women's Health and Genetics/Laboratory Corporation of America, LabCorp); PubMed 33940108 (cited by Labcorp Genetics (formerly Invitae), Labcorp and Women's Health and Genetics/Laboratory Corporation of America, LabCorp).